The following is an entry in ClinVar:

NM_004415.4(DSP):c.743T>C (p.Ile248Thr)

Gene: DSP (desmoplakin; plus strand). Cytogenetic location: 6p24.3.
Variant type: single nucleotide variant.
Coding change: c.743T>C on transcript NM_004415.4 (MANE Select); coding-DNA position 743, T replaced by C.
Protein change: p.Ile248Thr; replaces isoleucine 248 with threonine.
Molecular consequence: missense variant.
Genome position (GRCh38, 1-based): chr6:7,563,752, T>C. VCF-style: chr6-7563752-T-C. GRCh37 (hg19) VCF-style: chr6-7563985-T-C.
Other names: c.743T>C, p.Ile248Thr (NM_001008844.3, NM_001319034.2); short protein forms I248T.
Identifiers: ClinVar variation 920073 (VCV000920073.10), dbSNP rs1455602530, ClinGen allele CA362673682.

ClinVar aggregate classification (germline): Uncertain significance. Review status: criteria provided, multiple submitters, no conflicts (2 of 4 stars). 3 submissions from 3 submitters: Uncertain significance (3). Last evaluated 2026-01-06.

Conditions:
Cardiovascular phenotype. Identifiers: MedGen CN230736.
Cardiomyopathy (CMYO). Also called: Cardiomyopathies. Identifiers: Orphanet 167848, MedGen C0878544, MONDO:0004994, HP:0001638. Inheritance: Various modes of inheritance.
Arrhythmogenic cardiomyopathy with wooly hair and keratoderma. Also called: PALMOPLANTAR KERATODERMA WITH LEFT VENTRICULAR CARDIOMYOPATHY AND WOOLLY HAIR; Carvajal syndrome; Dilated cardiomyopathy with woolly hair and keratoderma; Arrhythmogenic cardiomyopathy with woolly hair and keratoderma. Identifiers: Orphanet 65282, MedGen C1854063, MONDO:0011581, OMIM 605676.
Arrhythmogenic right ventricular dysplasia 8 (ARVD8). Also called: Arrhythmogenic Right Ventricular Dysplasia/Cardiomyopathy 8; ARRHYTHMOGENIC RIGHT VENTRICULAR DYSPLASIA, FAMILIAL, 8; ARRHYTHMOGENIC RIGHT VENTRICULAR CARDIOMYOPATHY 8. Identifiers: MedGen C1843896, MONDO:0011831, OMIM 607450.

Allele frequency attached by ClinVar (database versions not stated): gnomAD exomes below 0.00001; TOPMed below 0.00001.

Submissions (3):

Labcorp Genetics (formerly Invitae), Labcorp
Classification: Uncertain significance for Arrhythmogenic cardiomyopathy with wooly hair and keratoderma; Arrhythmogenic right ventricular dysplasia 8. Last evaluated: 2026-01-06. Review status: criteria provided, single submitter. Criteria: Invitae Variant Classification Sherloc (09022015). Collection method: clinical testing. Allele origin: germline.
Comment: This sequence change replaces isoleucine, which is neutral and non-polar, with threonine, which is neutral and polar, at codon 248 of the DSP protein (p.Ile248Thr). This variant is present in population databases (no rsID available, gnomAD 0.0009%). This variant has not been reported in the literature in individuals affected with DSP-related conditions. ClinVar contains an entry for this variant (Variation ID: 920073). An algorithm developed to predict the effect of missense changes on protein structure and function (PolyPhen-2) suggests that this variant is likely to be tolerated. In summary, the available evidence is currently insufficient to determine the role of this variant in disease. Therefore, it has been classified as a Variant of Uncertain Significance.

Ambry Genetics
Classification: Uncertain significance for Cardiovascular phenotype. Last evaluated: 2020-08-04. Review status: criteria provided, single submitter. Criteria: Ambry Variant Classification Scheme 2023. Collection method: clinical testing. Allele origin: germline.
Comment: The p.I248T variant (also known as c.743T>C), located in coding exon 6 of the DSP gene, results from a T to C substitution at nucleotide position 743. The isoleucine at codon 248 is replaced by threonine, an amino acid with similar properties. This amino acid position is well conserved in available vertebrate species. In addition, this alteration is predicted to be deleterious by in silico analysis. Since supporting evidence is limited at this time, the clinical significance of this alteration remains unclear.

Color Diagnostics, LLC DBA Color Health
Classification: Uncertain significance for Cardiomyopathy. Last evaluated: 2019-10-23. Review status: criteria provided, single submitter. Criteria: ACMG Guidelines, 2015. Collection method: clinical testing. Allele origin: germline.
Comment: This missense variant replaces isoleucine with threonine at codon 248 of the DSP protein. Computational prediction is inconclusive regarding the impact of this variant on protein structure and function (internally defined REVEL score threshold 0.5 < inconclusive < 0.7, PMID: 27666373). Splice site prediction tools suggest that this variant may not impact RNA splicing. To our knowledge, functional studies have not been performed for this variant. This variant has not been reported in individuals affected with cardiovascular disorders in the literature. This variant has been identified in 1/251416 chromosomes in the general population by the Genome Aggregation Database (gnomAD). The available evidence is insufficient to determine the role of this variant in disease conclusively. Therefore, this variant is classified as a Variant of Uncertain Significance.